The following is an entry in ClinVar:

ClinVar aggregate classification (germline): Conflicting classifications of pathogenicity. Review status: criteria provided, conflicting classifications (1 of 4 stars). 8 submissions from 8 submitters: Pathogenic (5); Likely pathogenic (1); Uncertain significance (1). 1 of the submissions does not count toward it. Last evaluated 2026-04-23.

Conditions:
NPC1-related disorder. Also called: NPC1-related condition.
Niemann-Pick disease, type C1. Also called: NEUROVISCERAL STORAGE DISEASE WITH VERTICAL SUPRANUCLEAR OPHTHALMOPLEGIA; NIEMANN-PICK DISEASE WITH CHOLESTEROL ESTERIFICATION BLOCK; NIEMANN-PICK DISEASE WITHOUT SPHINGOMYELINASE DEFICIENCY; NIEMANN-PICK DISEASE, CHRONIC NEURONOPATHIC FORM; NIEMANN-PICK DISEASE, VARIANT TYPE C1. Identifiers: Orphanet 646, MedGen C3179455, MONDO:0009757, OMIM 257220.

Submissions (8):

PreventionGenetics, part of Exact Sciences
Classification: Pathogenic for NPC1-related condition. Last evaluated: 2026-04-23. Review status: criteria provided, single submitter. Criteria: ACMG Guidelines, 2015. Collection method: clinical testing. Allele origin: germline.
Comment: The NPC1 c.688_693del6 variant is predicted to result in an in-frame deletion (p.Ser230_Val231del). This variant was reported in the compound heterozygous state in several individuals with Niemann-Pick disease type C, including a set of siblings (Table 2, Sun et al. 2001. PubMed ID: 11349231; Table 4, Imrie et al. 2015. PubMed ID: 26666848; Table 2, Hastings et al. 2019. PubMed ID: 31639011). This variant is reported in 0.012% of alleles in individuals of African descent in gnomAD an is interpreted as pathogenic/likely pathogenic by the majority of submitters in ClinVar (Variation ID: 290134). This variant is interpreted as pathogenic.

Natera, Inc.
Classification: Pathogenic for Niemann-Pick disease type C1. Last evaluated: 2025-11-10. Review status: criteria provided, single submitter. Criteria: Natera Variant Classification Schema (03/2026). Collection method: clinical testing. Allele origin: germline.
Comment: The c.688_693delTCTGTG variant in NPC1 is an in-frame deletion. This variant is rare in the general population with a frequency below the threshold expected for the associated phenotype(s). This variant has been observed in one or more individuals affected with the associated recessive disease, as either homozygous or compound heterozygous with a second variant (PMID: 11349231, 26666848, 19744920, 31639011). Additionally, this variant has been observed to segregate in affected family members (PMID: 11349231). This variant results in a change to the protein length while preserving reading frame, which may disrupt normal protein structure or function. Computational prediction algorithms indicate this variant is likely to affect gene or protein function. Given the available evidence, this variant is classified as Pathogenic.

Women's Health and Genetics/Laboratory Corporation of America, LabCorp
Classification: Pathogenic for Niemann-Pick disease, type C1. Last evaluated: 2025-10-27. Review status: criteria provided, single submitter. Criteria: LabCorp Variant Classification Summary - May 2015. Collection method: clinical testing. Allele origin: germline.
Comment: Variant summary: NPC1 c.688_693delTCTGTG (p.Ser230_Val231del) results in an in-frame deletion that is predicted to remove two amino acids from the encoded protein. The variant allele was found at a frequency of 2.8e-05 in 250780 control chromosomes (gnomAD). c.688_693delTCTGTG has been observed in multiple individuals affected with Niemann-Pick disease, type C1 (Sun_2001, Garver_2009, Imrie_2015, Hastings_2019). These data indicate that the variant is very likely to be associated with disease. To our knowledge, no experimental evidence demonstrating an impact on protein function has been reported. The following publications have been ascertained in the context of this evaluation (PMID: 19744920, 31639011, 26666848, 11349231). ClinVar contains an entry for this variant (Variation ID: 290134). Based on the evidence outlined above, the variant was classified as pathogenic.

Labcorp Genetics (formerly Invitae), Labcorp
Classification: Pathogenic for Niemann-Pick disease, type C1. Last evaluated: 2025-09-03. Review status: criteria provided, single submitter. Criteria: Invitae Variant Classification Sherloc (09022015). Collection method: clinical testing. Allele origin: germline.
Comment: This variant, c.688_693del, results in the deletion of 2 amino acid(s) of the NPC1 protein (p.Ser230_Val231del), but otherwise preserves the integrity of the reading frame. This variant is present in population databases (rs758687942, gnomAD 0.01%). This variant has been observed in individual(s) with NPC1-related conditions (PMID: 11349231, 19744920, 26666848). ClinVar contains an entry for this variant (Variation ID: 290134). Experimental studies and prediction algorithms are not available or were not evaluated, and the functional significance of this variant is currently unknown. For these reasons, this variant has been classified as Pathogenic.

Revvity Omics, Revvity
Classification: Likely pathogenic for Niemann-Pick disease, type C1. Last evaluated: 2024-12-16. Review status: criteria provided, single submitter. Criteria: ACMG Guidelines, 2015. Collection method: clinical testing. Allele origin: germline.

GeneDx
Classification: Pathogenic. Last evaluated: 2023-09-22. Review status: criteria provided, single submitter. Criteria: GeneDx Variant Classification Process June 2021. Collection method: clinical testing. Allele origin: germline. Affected: yes.
Comment: Not observed at a significant frequency in large population cohorts (gnomAD); In-frame deletion of 2 amino acids in a non-repeat region; In silico analysis supports a deleterious effect on protein structure/function; This variant is associated with the following publications: (PMID: 15465421, 26666848, 11349231, 19744920, 31639011)

Eurofins Ntd Llc (ga)
Classification: Uncertain significance. Last evaluated: 2016-08-09. Review status: criteria provided, single submitter. Criteria: EGL Classification Definitions 2015. Collection method: clinical testing. Allele origin: germline. Observed: 1 variant allele, 1 heterozygote.

Counsyl
Classification: Uncertain significance for Niemann-Pick disease, type C1. Last evaluated: 2017-09-15. Review status: no assertion criteria provided. Collection method: clinical testing. Allele origin: unknown. Not counted in ClinVar's aggregate classification.

Literature cited by the submitters: PubMed 11349231 (cited by 4 submitters); PubMed 26666848 (cited by 4 submitters); PubMed 19744920 (cited by 4 submitters); PubMed 31639011 (cited by Natera, Inc. and Women's Health and Genetics/Laboratory Corporation of America, LabCorp).

NM_000271.5(NPC1):c.688_693del (p.Ser230_Val231del)

Gene: NPC1 (NPC intracellular cholesterol transporter 1; minus strand). Cytogenetic location: 18q11.2.
Variant type: Deletion.
Coding change: c.688_693del on transcript NM_000271.5 (MANE Select); coding-DNA positions 688 to 693, 6 bases deleted (TCTGTG; older notation c.688_693delTCTGTG).
Protein change: p.Ser230_Val231del.
Molecular consequence: inframe deletion.
Genome position (GRCh38, 1-based): chr18:23,560,419-23,560,424, CACAGA deleted on the plus strand (TCTGTG on the coding strand, the reverse complement: NPC1 is on the minus strand); deleting any 6 consecutive bases within chr18:23,560,419-23,560,425 gives the same sequence; the c. name uses the placement nearest the transcript's 3' end. VCF-style (leftmost placement, unchanged base first): chr18-23560418-CCACAGA-C. GRCh37 (hg19) VCF-style: chr18-21140382-CCACAGA-C.
Other names: c.688_693del (NM_000271.4); c.688_693delTCTGTG (NM_000271.4, NM_000271.5).
Identifiers: ClinVar variation 290134 (VCV000290134.22), dbSNP rs758687942, ClinGen allele CA8913664.